The following is an entry in ClinVar:

ClinVar aggregate classification (germline): Uncertain significance (1 of 4 stars; one submission).

Conditions:
Combined immunodeficiency due to LRBA deficiency. Also called: Common variable immunodeficiency 8, with autoimmunity. Identifiers: Orphanet 445018, MedGen C3553512, MONDO:0013863, OMIM 614700.

Allele frequency attached by ClinVar (database versions not stated): gnomAD exomes below 0.00001; TOPMed below 0.00001.
gnomAD v4.1: 4 of 1,606,234 alleles (0.00025%); highest among the groups gnomAD compares: Non-Finnish European, 0.00025%; no homozygotes.

Submission:

Labcorp Genetics (formerly Invitae), Labcorp
Classification: Uncertain significance for Combined immunodeficiency due to LRBA deficiency. Last evaluated: 2022-06-29. Review status: criteria provided, single submitter. Criteria: Invitae Variant Classification Sherloc (09022015). Collection method: clinical testing. Allele origin: germline.
Comment: In summary, the available evidence is currently insufficient to determine the role of this variant in disease. Therefore, it has been classified as a Variant of Uncertain Significance. Variants that disrupt the consensus splice site are a relatively common cause of aberrant splicing (PMID: 17576681, 9536098). Algorithms developed to predict the effect of sequence changes on RNA splicing suggest that this variant may disrupt the consensus splice site. This variant has not been reported in the literature in individuals affected with LRBA-related conditions. This variant is present in population databases (no rsID available, gnomAD 0.0009%). This sequence change falls in intron 51 of the LRBA gene. It does not directly change the encoded amino acid sequence of the LRBA protein. It affects a nucleotide within the consensus splice site.

Literature cited by the submitters: PubMed 17576681; PubMed 9536098.

NM_001364905.1(LRBA):c.7630+4A>G

Gene: LRBA (LPS responsive beige-like anchor protein; minus strand). Cytogenetic location: 4q31.3.
Variant type: single nucleotide variant.
Coding change: c.7630+4A>G on transcript NM_001364905.1 (MANE Select); 4 bases into the intron after coding-DNA position 7630, A replaced by G.
Molecular consequence: intron variant.
Genome position (GRCh38, 1-based): chr4:150,321,187, T>C on the plus strand (A>G on the coding strand, the complement: LRBA is on the minus strand). VCF-style: chr4-150321187-T-C. GRCh37 (hg19) VCF-style: chr4-151242339-T-C.
Other names: c.7645+4A>G (NM_001367550.1, NM_001440431.1); c.7663+4A>G (NM_006726.5); c.7630+4A>G (NM_001199282.3); c.7678+4A>G (NM_001440430.1); c.1348+4A>G (NM_001440432.1); c.1342+4A>G (NM_001440433.1).
Identifiers: ClinVar variation 2059220 (VCV002059220.4), dbSNP rs1446504627, ClinGen allele CA555713487.